The following is an entry in ClinVar:

NM_004329.3(BMPR1A):c.361A>G (p.Thr121Ala)

Gene: BMPR1A (bone morphogenetic protein receptor type 1A; plus strand). Cytogenetic location: 10q23.2.
Variant type: single nucleotide variant.
Coding change: c.361A>G on transcript NM_004329.3 (MANE Select); coding-DNA position 361, A replaced by G.
Protein change: p.Thr121Ala; replaces threonine 121 with alanine.
Molecular consequence: missense variant.
Genome position (GRCh38, 1-based): chr10:86,899,821, A>G. VCF-style: chr10-86899821-A-G. GRCh37 (hg19) VCF-style: chr10-88659578-A-G.
Other names: short protein forms T121A.
Identifiers: ClinVar variation 823998 (VCV000823998.5), dbSNP rs1589768003, ClinGen allele CA377449387.

ClinVar aggregate classification (germline): Uncertain significance. Review status: criteria provided, multiple submitters, no conflicts (2 of 4 stars). 2 submissions from 2 submitters: Uncertain significance (2). Last evaluated 2025-08-11.

Conditions:
Juvenile polyposis syndrome (JPS). Identifiers: Orphanet 2929, MedGen C0345893, MONDO:0017380, OMIM 174900.
Hereditary cancer-predisposing syndrome. Also called: Neoplastic Syndromes, Hereditary; Hereditary Cancer Syndrome; Hereditary neoplastic syndrome; Tumor predisposition. Identifiers: Orphanet 140162, MedGen C0027672, MeSH D009386, MONDO:0015356.

Submissions (2):

Labcorp Genetics (formerly Invitae), Labcorp
Classification: Uncertain significance for Juvenile polyposis syndrome. Last evaluated: 2025-08-11. Review status: criteria provided, single submitter. Criteria: Invitae Variant Classification Sherloc (09022015). Collection method: clinical testing. Allele origin: germline.
Comment: This sequence change replaces threonine, which is neutral and polar, with alanine, which is neutral and non-polar, at codon 121 of the BMPR1A protein (p.Thr121Ala). This variant is not present in population databases (gnomAD no frequency). This variant has not been reported in the literature in individuals affected with BMPR1A-related conditions. ClinVar contains an entry for this variant (Variation ID: 823998). Invitae Evidence Modeling of protein sequence and biophysical properties (such as structural, functional, and spatial information, amino acid conservation, physicochemical variation, residue mobility, and thermodynamic stability) indicates that this missense variant is not expected to disrupt BMPR1A protein function with a negative predictive value of 80%. In summary, the available evidence is currently insufficient to determine the role of this variant in disease. Therefore, it has been classified as a Variant of Uncertain Significance.

Ambry Genetics
Classification: Uncertain significance for Hereditary cancer-predisposing syndrome. Last evaluated: 2019-07-03. Review status: criteria provided, single submitter. Criteria: Ambry Variant Classification Scheme 2023. Collection method: clinical testing. Allele origin: germline.
Comment: The p.T121A variant (also known as c.361A>G), located in coding exon 4 of the BMPR1A gene, results from an A to G substitution at nucleotide position 361. The threonine at codon 121 is replaced by alanine, an amino acid with similar properties. This amino acid position is highly conserved in available vertebrate species. In addition, this alteration is predicted to be deleterious by in silico analysis. Since supporting evidence is limited at this time, the clinical significance of this alteration remains unclear.